The following is an entry in ClinVar:

ClinVar aggregate classification (germline): Pathogenic (1 of 4 stars; one submission).

Submission:

Labcorp Genetics (formerly Invitae), Labcorp
Classification: Pathogenic. Last evaluated: 2023-06-15. Review status: criteria provided, single submitter. Criteria: Invitae Variant Classification Sherloc (09022015). Collection method: clinical testing. Allele origin: germline.
Comment: This variant has not been reported in the literature in individuals affected with TRPM1-related conditions. This variant is not present in population databases (gnomAD no frequency). For these reasons, this variant has been classified as Pathogenic. Algorithms developed to predict the effect of sequence changes on RNA splicing suggest that this variant may disrupt the consensus splice site. This sequence change creates a premature translational stop signal (p.Val163Glyfs*15) in the TRPM1 gene. It is expected to result in an absent or disrupted protein product. Loss-of-function variants in TRPM1 are known to be pathogenic (PMID: 19896113, 19966281, 20300565).

Literature cited by the submitters: PubMed 19896113; PubMed 19966281; PubMed 20300565.

NM_001252024.2(TRPM1):c.553dup (p.Val185fs)

Gene: TRPM1 (transient receptor potential cation channel subfamily M member 1; minus strand). Cytogenetic location: 15q13.3.
Variant type: Duplication.
Coding change: c.553dup on transcript NM_001252024.2 (MANE Select); coding-DNA position 553, one base duplicated (G; older notation c.553dupG).
Protein change: p.Val185fs; shifts the reading frame from valine 185.
Molecular consequence: frameshift variant.
Genome position (GRCh38, 1-based): chr15:31,067,128, C duplicated on the plus strand (G on the coding strand, the reverse complement: TRPM1 is on the minus strand); the first of 3 consecutive C bases (chr15:31,067,128-31,067,130); duplicating any one gives the same sequence. VCF-style (leftmost placement, unchanged base first): chr15-31067127-A-AC. GRCh37 (hg19) VCF-style: chr15-31359330-A-AC.
Other names: c.604dup, p.Val202fs (NM_001252020.2); c.487dup, p.Val163fs (NM_002420.6); short protein forms V185fs, V163fs, V202fs.
Identifiers: ClinVar variation 2986734 (VCV002986734.3), dbSNP rs2504215456, ClinGen allele CA2627516215.